The following is an entry in ClinVar:

NM_001042492.3(NF1):c.4937C>A (p.Thr1646Asn)

Gene: NF1 (neurofibromin 1; plus strand). Cytogenetic location: 17q11.2.
Variant type: single nucleotide variant.
Coding change: c.4937C>A on transcript NM_001042492.3 (MANE Select); coding-DNA position 4937, C replaced by A.
Protein change: p.Thr1646Asn; replaces threonine 1646 with asparagine.
Molecular consequence: missense variant.
Genome position (GRCh38, 1-based): chr17:31,325,921, C>A. VCF-style: chr17-31325921-C-A. GRCh37 (hg19) VCF-style: chr17-29652939-C-A.
Other names: c.4874C>A, p.Thr1625Asn (NM_000267.4); short protein forms T1646N, T1625N.
Identifiers: ClinVar variation 1743739 (VCV001743739.6), dbSNP rs1597829686, ClinGen allele CA399007150.

ClinVar aggregate classification (germline): Uncertain significance. Review status: criteria provided, multiple submitters, no conflicts (2 of 4 stars). 3 submissions from 3 submitters: Uncertain significance (3). Last evaluated 2023-07-28.

Conditions:
Neurofibromatosis, type 1 (NF1). Also called: Peripheral type neurofibromatosis; VON RECKLINGHAUSEN DISEASE; NEUROFIBROMATOSIS, TYPE I, SOMATIC; Neurofibromatosis, type I. Identifiers: Orphanet 636, MedGen C0027831, MONDO:0018975, OMIM 162200. Disease mechanism: loss of function.
Cardiovascular phenotype. Identifiers: MedGen CN230736.
Hereditary cancer-predisposing syndrome. Also called: Hereditary Cancer Syndrome; Hereditary neoplastic syndrome; Neoplastic Syndromes, Hereditary; Tumor predisposition. Identifiers: Orphanet 140162, MedGen C0027672, MeSH D009386, MONDO:0015356.

Submissions (3):

Labcorp Genetics (formerly Invitae), Labcorp
Classification: Uncertain significance for Neurofibromatosis, type 1. Last evaluated: 2023-07-28. Review status: criteria provided, single submitter. Criteria: Invitae Variant Classification Sherloc (09022015). Collection method: clinical testing. Allele origin: germline.
Comment: In summary, the available evidence is currently insufficient to determine the role of this variant in disease. Therefore, it has been classified as a Variant of Uncertain Significance. Advanced modeling of protein sequence and biophysical properties (such as structural, functional, and spatial information, amino acid conservation, physicochemical variation, residue mobility, and thermodynamic stability) performed at Invitae indicates that this missense variant is expected to disrupt NF1 protein function. ClinVar contains an entry for this variant (Variation ID: 1743739). This variant has not been reported in the literature in individuals affected with NF1-related conditions. This variant is not present in population databases (gnomAD no frequency). This sequence change replaces threonine, which is neutral and polar, with asparagine, which is neutral and polar, at codon 1625 of the NF1 protein (p.Thr1625Asn).

Blueprint Genetics
Classification: Uncertain significance. Last evaluated: 2019-10-14. Review status: criteria provided, single submitter. Criteria: ACMG Guidelines, 2015. Collection method: clinical testing. Allele origin: germline.

Ambry Genetics
Classification: Uncertain significance for Cardiovascular phenotype; Hereditary cancer-predisposing syndrome. Last evaluated: 2017-12-01. Review status: criteria provided, single submitter. Criteria: Ambry Variant Classification Scheme 2023. Collection method: clinical testing. Allele origin: germline.
Comment: The p.T1625N variant (also known as c.4874C>A), located in coding exon 36 of the NF1 gene, results from a C to A substitution at nucleotide position 4874. The threonine at codon 1625 is replaced by asparagine, an amino acid with similar properties. This amino acid position is highly conserved in available vertebrate species. In addition, the in silico prediction for this alteration is inconclusive. Since supporting evidence is limited at this time, the clinical significance of this alteration remains unclear.